The following is an entry in ClinVar:

NM_002906.4(RDX):c.1412C>A (p.Pro471His)

Gene: RDX (radixin; minus strand). Cytogenetic location: 11q22.3.
Variant type: single nucleotide variant.
Coding change: c.1412C>A on transcript NM_002906.4 (MANE Select); coding-DNA position 1412, C replaced by A.
Protein change: p.Pro471His; replaces proline 471 with histidine.
Molecular consequence: missense variant. On other transcripts: intron variant (1).
Genome position (GRCh38, 1-based): chr11:110,233,412, G>T on the plus strand (C>A on the coding strand, the complement: RDX is on the minus strand). VCF-style: chr11-110233412-G-T. GRCh37 (hg19) VCF-style: chr11-110104137-G-T.
Other names: c.1412C>A, p.Pro471His (NM_001260492.2, NM_001260493.2); c.1004C>A, p.Pro335His (NM_001260494.2); c.371C>A, p.Pro124His (NM_001260495.2); c.405-1408C>A (NM_001260496.2); short protein forms P124H, P335H, P471H.
Identifiers: ClinVar variation 3075836 (VCV003075836.1), dbSNP rs754733997, ClinGen allele CA6269978.

ClinVar aggregate classification (germline): Uncertain significance (1 of 4 stars; one submission).

gnomAD v4.1: 14 of 1,613,894 alleles (0.00087%); highest among the groups gnomAD compares: Non-Finnish European, 0.0011%; no homozygotes.

Submission:

Laboratory for Molecular Medicine, Mass General Brigham Personalized Medicine
Classification: Uncertain significance. Last evaluated: 2021-12-09. Review status: criteria provided, single submitter. Criteria: ACMG Guidelines, 2015. Collection method: clinical testing. Allele origin: germline.
Comment: It has also been identified in 0.001759% (2/113712) of European chromosomes by gnomAD. Computational prediction tools and conservation analyses do not provide strong support for or against an impact to the protein. In summary, the clinical significance of this variant is uncertain. ACMG/AMP Criteria applied: PM2_Supporting, BP5.

Literature cited by the submitters: PubMed 29309402.